The following is an entry in ClinVar:

NM_015205.3(ATP11A):c.1384G>A (p.Val462Ile)

Gene: ATP11A (ATPase phospholipid transporting 11A; plus strand). Cytogenetic location: 13q34.
Variant type: single nucleotide variant.
Coding change: c.1384G>A on transcript NM_015205.3 (MANE Select); coding-DNA position 1384, G replaced by A.
Protein change: p.Val462Ile; replaces valine 462 with isoleucine.
Molecular consequence: missense variant.
Genome position (GRCh38, 1-based): chr13:112,831,537, G>A. VCF-style: chr13-112831537-G-A. GRCh37 (hg19) VCF-style: chr13-113485851-G-A.
Other names: c.1384G>A, p.Val462Ile (NM_001405661.1, NM_001405662.1, NM_001405663.1 and 1 more transcripts); short protein forms V462I.
Identifiers: ClinVar variation 2394627 (VCV002394627.4), dbSNP rs139991083, ClinGen allele CA7056735.

ClinVar aggregate classification (germline): Conflicting classifications of pathogenicity. Review status: criteria provided, conflicting classifications (1 of 4 stars). 2 submissions from 2 submitters: Uncertain significance (1); Likely benign (1). Last evaluated 2025-11-13.

Conditions:
ATP11A-related disorder. Also called: ATP11A-related condition.
Inborn genetic diseases. Identifiers: MedGen C0950123, MeSH D030342.

Allele frequency attached by ClinVar (database versions not stated): gnomAD exomes 0.00005; ESP Exome Variant Server 0.00008; ExAC 0.00012; gnomAD 0.00014; TOPMed 0.00016.
gnomAD v4.1: 96 of 1,613,924 alleles (0.0059%); highest among the groups gnomAD compares: Admixed American, 0.052%; no homozygotes.

Submissions (2):

PreventionGenetics, part of Exact Sciences
Classification: Likely benign for ATP11A-related condition. Last evaluated: 2025-11-13. Review status: criteria provided, single submitter. Criteria: ACMG Guidelines, 2015. Collection method: clinical testing. Allele origin: germline.
Comment: This variant is classified as likely benign based on ACMG/AMP sequence variant interpretation guidelines (Richards et al. 2015 PMID: 25741868, with internal and published modifications).

Ambry Genetics
Classification: Uncertain significance for Inborn genetic diseases. Last evaluated: 2025-04-29. Review status: criteria provided, single submitter. Criteria: Ambry Variant Classification Scheme 2023. Collection method: clinical testing. Allele origin: germline.